The following is an entry in ClinVar:

NM_000465.4(BARD1):c.636T>C (p.Ala212=)

Gene: BARD1 (BRCA1 associated RING domain 1; minus strand). Cytogenetic location: 2q35.
Variant type: single nucleotide variant.
Coding change: c.636T>C on transcript NM_000465.4 (MANE Select); coding-DNA position 636, T replaced by C.
Protein change: p.Ala212=; no amino-acid change (alanine 212 retained).
Molecular consequence: synonymous variant. On other transcripts: non-coding transcript variant (2), intron variant (3).
Genome position (GRCh38, 1-based): chr2:214,781,238, A>G on the plus strand (T>C on the coding strand, the complement: BARD1 is on the minus strand). VCF-style: chr2-214781238-A-G. GRCh37 (hg19) VCF-style: chr2-215645962-A-G.
Other names: c.579T>C, p.Ala193= (NM_001282543.2); c.158+28174T>C (NM_001282548.2); c.215+15823T>C (NM_001282545.2); c.364+11059T>C (NM_001282549.2).
Identifiers: ClinVar variation 2696432 (VCV002696432.5), dbSNP rs2106111263, ClinGen allele CA431391614.

ClinVar aggregate classification (germline): Benign/Likely benign. Review status: criteria provided, multiple submitters, no conflicts (2 of 4 stars). 3 submissions from 3 submitters: Benign (1); Likely benign (2). Last evaluated 2024-07-22.

Conditions:
Hereditary cancer-predisposing syndrome. Also called: Neoplastic Syndromes, Hereditary; Tumor predisposition; Hereditary neoplastic syndrome; Hereditary Cancer Syndrome. Identifiers: Orphanet 140162, MedGen C0027672, MeSH D009386, MONDO:0015356.
Familial cancer of breast. Also called: hereditary breast carcinoma; Hereditary breast cancer; BREAST CANCER, FAMILIAL. Identifiers: Orphanet 227535, MedGen C0346153, MONDO:0016419, OMIM 114480. Disease mechanism: loss of function.

Submissions (3):

Myriad Genetics, Inc.
Classification: Benign for Familial cancer of breast. Last evaluated: 2024-07-22. Review status: criteria provided, single submitter. Criteria: Myriad Autosomal Dominant, Autosomal Recessive and X-Linked Classification Criteria (2023). Collection method: clinical testing. Allele origin: unknown.
Comment: This variant is considered benign. This variant is a silent/synonymous amino acid change and it is not expected to impact splicing.

Labcorp Genetics (formerly Invitae), Labcorp
Classification: Likely benign for Familial cancer of breast. Last evaluated: 2023-11-17. Review status: criteria provided, single submitter. Criteria: Invitae Variant Classification Sherloc (09022015). Collection method: clinical testing. Allele origin: germline.

Color Diagnostics, LLC DBA Color Health
Classification: Likely benign for Hereditary cancer-predisposing syndrome. Last evaluated: 2022-05-23. Review status: criteria provided, single submitter. Criteria: ACMG Guidelines, 2015. Collection method: clinical testing. Allele origin: germline.